The following is an entry in ClinVar:

NM_004656.4(BAP1):c.1874A>G (p.Glu625Gly)

Gene: BAP1 (BRCA1 associated deubiquitinase 1; minus strand). Cytogenetic location: 3p21.1.
Variant type: single nucleotide variant.
Coding change: c.1874A>G on transcript NM_004656.4 (MANE Select); coding-DNA position 1874, A replaced by G.
Protein change: p.Glu625Gly; replaces glutamic acid 625 with glycine.
Molecular consequence: missense variant.
Genome position (GRCh38, 1-based): chr3:52,403,154, T>C on the plus strand (A>G on the coding strand, the complement: BAP1 is on the minus strand). VCF-style: chr3-52403154-T-C. GRCh37 (hg19) VCF-style: chr3-52437170-T-C.
Other names: c.1820A>G, p.Glu607Gly (NM_001410772.1); short protein forms E625G, E607G.
Identifiers: ClinVar variation 4842555 (VCV004842555.1).

ClinVar aggregate classification (germline): Uncertain significance (1 of 4 stars; one submission).

Conditions:
Hereditary cancer-predisposing syndrome. Also called: Neoplastic Syndromes, Hereditary; Tumor predisposition; Hereditary Cancer Syndrome; Hereditary neoplastic syndrome. Identifiers: Orphanet 140162, MedGen C0027672, MeSH D009386, MONDO:0015356.

Submission:

Ambry Genetics
Classification: Uncertain significance for Hereditary cancer-predisposing syndrome. Last evaluated: 2026-01-29. Review status: criteria provided, single submitter. Criteria: Ambry Variant Classification Scheme 2023. Collection method: clinical testing. Allele origin: germline.
Comment: The c.1874A>G variant (also known as p.E625G), located in coding exon 14 of the BAP1 gene, results from an A to G substitution at nucleotide position 1874. The glutamic acid at codon 625 is replaced by glycine, an amino acid with similar properties. This alteration was functional in a high throughput genome editing haploid cell survival functional assay (Waters AJ et al. Nat Genet, 2024 Jul;56:1434-1445). This amino acid position is well conserved in available vertebrate species. In addition, as a missense, the in silico prediction for this alteration is inconclusive. This nucleotide position is well conserved in available vertebrate species. In silico splice site analysis predicts that this alteration may result in the creation or strengthening of a novel splice donor site. RNA studies have demonstrated that this variant results in a transcript predicted to lead to a protein with an in-frame deletion of 15 amino acids (Ambry internal data). Based on the available evidence, the clinical significance of this variant remains unclear.

Literature cited by the submitters: PubMed 38969833.